The following is an entry in ClinVar:

ClinVar aggregate classification (germline): Uncertain significance (1 of 4 stars; one submission).

Submission:

Labcorp Genetics (formerly Invitae), Labcorp
Classification: Uncertain significance. Last evaluated: 2024-10-11. Review status: criteria provided, single submitter. Criteria: Invitae Variant Classification Sherloc (09022015). Collection method: clinical testing. Allele origin: germline.
Comment: This sequence change replaces serine, which is neutral and polar, with asparagine, which is neutral and polar, at codon 366 of the DLL1 protein (p.Ser366Asn). This variant is not present in population databases (gnomAD no frequency). This variant has not been reported in the literature in individuals affected with DLL1-related conditions. An algorithm developed to predict the effect of missense changes on protein structure and function (PolyPhen-2) suggests that this variant is likely to be tolerated. In summary, the available evidence is currently insufficient to determine the role of this variant in disease. Therefore, it has been classified as a Variant of Uncertain Significance.

NM_005618.4(DLL1):c.1097G>A (p.Ser366Asn)

Gene: DLL1 (delta like canonical Notch ligand 1; minus strand). Cytogenetic location: 6q27.
Variant type: single nucleotide variant.
Coding change: c.1097G>A on transcript NM_005618.4 (MANE Select); coding-DNA position 1097, G replaced by A.
Protein change: p.Ser366Asn; replaces serine 366 with asparagine.
Molecular consequence: missense variant.
Genome position (GRCh38, 1-based): chr6:170,285,071, C>T on the plus strand (G>A on the coding strand, the complement: DLL1 is on the minus strand). VCF-style: chr6-170285071-C-T. GRCh37 (hg19) VCF-style: chr6-170594159-C-T.
Other names: short protein forms S366N.
Identifiers: ClinVar variation 3722725 (VCV003722725.2).